The following is an entry in ClinVar:

ClinVar aggregate classification (germline): Uncertain significance (1 of 4 stars; one submission).

Submission:

Labcorp Genetics (formerly Invitae), Labcorp
Classification: Uncertain significance. Last evaluated: 2023-11-24. Review status: criteria provided, single submitter. Criteria: Invitae Variant Classification Sherloc (09022015). Collection method: clinical testing. Allele origin: germline.
Comment: This sequence change replaces glutamine, which is neutral and polar, with arginine, which is basic and polar, at codon 1092 of the MYH14 protein (p.Gln1092Arg). This variant is not present in population databases (gnomAD no frequency). This variant has not been reported in the literature in individuals affected with MYH14-related conditions. Advanced modeling of protein sequence and biophysical properties (such as structural, functional, and spatial information, amino acid conservation, physicochemical variation, residue mobility, and thermodynamic stability) performed at Invitae indicates that this missense variant is not expected to disrupt MYH14 protein function with a negative predictive value of 80%. In summary, the available evidence is currently insufficient to determine the role of this variant in disease. Therefore, it has been classified as a Variant of Uncertain Significance.

NM_001145809.2(MYH14):c.3398A>G (p.Gln1133Arg)

Gene: MYH14 (myosin heavy chain 14; plus strand). Cytogenetic location: 19q13.33.
Variant type: single nucleotide variant.
Coding change: c.3398A>G on transcript NM_001145809.2 (MANE Select); coding-DNA position 3398, A replaced by G.
Protein change: p.Gln1133Arg; replaces glutamine 1133 with arginine.
Molecular consequence: missense variant.
Genome position (GRCh38, 1-based): chr19:50,272,662, A>G. VCF-style: chr19-50272662-A-G. GRCh37 (hg19) VCF-style: chr19-50775919-A-G.
Other names: c.3299A>G, p.Gln1100Arg (NM_001077186.2); c.3275A>G, p.Gln1092Arg (NM_024729.4); short protein forms Q1100R, Q1092R, Q1133R.
Identifiers: ClinVar variation 2958304 (VCV002958304.3), dbSNP rs922825978, ClinGen allele CA309568276.
Genomic context (GRCh38, chr19:50,272,662, plus strand): 5'-AGCTGAAGCGGAGGCTGGATGGGGAGAGCTCAGAGCTGCAGGAGCAGATGGTGGAGCAGC[A>G]ACAGCGGGCAGAGGAGCTGCGGGCCCAGCTGGGCCGGAAGGAGGAGGAGCTGCAGGCTGC-3'
Protein context (NP_001139281.1, residues 1123-1143): SELQEQMVEQ[Gln1133Arg]QRAEELRAQL